The following is an entry in ClinVar:

NM_172364.5(CACNA2D4):c.1994C>T (p.Thr665Met)

Gene: CACNA2D4 (calcium voltage-gated channel auxiliary subunit alpha2delta 4; minus strand). Cytogenetic location: 12p13.33.
Variant type: single nucleotide variant.
Coding change: c.1994C>T on transcript NM_172364.5 (MANE Select); coding-DNA position 1994, C replaced by T.
Protein change: p.Thr665Met; replaces threonine 665 with methionine.
Molecular consequence: missense variant.
Genome position (GRCh38, 1-based): chr12:1,858,591, G>A on the plus strand (C>T on the coding strand, the complement: CACNA2D4 is on the minus strand). VCF-style: chr12-1858591-G-A. GRCh37 (hg19) VCF-style: chr12-1967757-G-A.
Other names: c.1994C>T (NM_172364.4); short protein forms T665M.
Identifiers: ClinVar variation 1469717 (VCV001469717.9), dbSNP rs770622451, ClinGen allele CA6386901.

ClinVar aggregate classification (germline): Uncertain significance. Review status: criteria provided, multiple submitters, no conflicts (2 of 4 stars). 2 submissions from 2 submitters: Uncertain significance (2). Last evaluated 2025-08-24.

Conditions:
Inborn genetic diseases. Identifiers: MedGen C0950123, MeSH D030342.

gnomAD v4.1: 25 of 1,613,282 alleles (0.0015%); highest among the groups gnomAD compares: South Asian, 0.011%; 1 homozygote.

Submissions (2):

Ambry Genetics
Classification: Uncertain significance for Inborn genetic diseases. Last evaluated: 2025-08-24. Review status: criteria provided, single submitter. Criteria: Ambry Variant Classification Scheme 2023. Collection method: clinical testing. Allele origin: germline.

Labcorp Genetics (formerly Invitae), Labcorp
Classification: Uncertain significance. Last evaluated: 2025-04-16. Review status: criteria provided, single submitter. Criteria: Invitae Variant Classification Sherloc (09022015). Collection method: clinical testing. Allele origin: germline.
Comment: This sequence change replaces threonine, which is neutral and polar, with methionine, which is neutral and non-polar, at codon 665 of the CACNA2D4 protein (p.Thr665Met). This variant is present in population databases (rs770622451, gnomAD 0.01%). This variant has not been reported in the literature in individuals affected with CACNA2D4-related conditions. ClinVar contains an entry for this variant (Variation ID: 1469717). An algorithm developed to predict the effect of missense changes on protein structure and function (PolyPhen-2) suggests that this variant is likely to be tolerated. In summary, the available evidence is currently insufficient to determine the role of this variant in disease. Therefore, it has been classified as a Variant of Uncertain Significance.